The following is an entry in ClinVar:

NM_181882.3(PRX):c.1019C>T (p.Pro340Leu)

Gene: PRX (periaxin; minus strand). Cytogenetic location: 19q13.2.
Variant type: single nucleotide variant.
Coding change: c.1019C>T on transcript NM_181882.3 (MANE Select); coding-DNA position 1019, C replaced by T.
Protein change: p.Pro340Leu; replaces proline 340 with leucine.
Molecular consequence: missense variant. On other transcripts: 3 prime UTR variant (1).
Genome position (GRCh38, 1-based): chr19:40,397,333, G>A on the plus strand (C>T on the coding strand, the complement: PRX is on the minus strand). VCF-style: chr19-40397333-G-A. GRCh37 (hg19) VCF-style: chr19-40903240-G-A.
Other names: c.*1224C>T (NM_020956.2); short protein forms P340L.
Identifiers: ClinVar variation 242178 (VCV000242178.10), dbSNP rs780373582, ClinGen allele CA9444340.

ClinVar aggregate classification (germline): Uncertain significance. Review status: criteria provided, multiple submitters, no conflicts (2 of 4 stars). 2 submissions from 2 submitters: Uncertain significance (2). Last evaluated 2025-09-08.

Conditions:
Charcot-Marie-Tooth disease type 4. Also called: Charcot-Marie-Tooth disease, type IV; Charcot-Marie-Tooth, Type 4. Identifiers: Orphanet 64749, MedGen C4082197, MONDO:0018995.

Allele frequency attached by ClinVar (database versions not stated): ExAC 0.00001; gnomAD 0.00001; gnomAD exomes 0.00001 and 0.00002; TOPMed 0.00001.

Submissions (2):

Labcorp Genetics (formerly Invitae), Labcorp
Classification: Uncertain significance for Charcot-Marie-Tooth disease type 4. Last evaluated: 2025-09-08. Review status: criteria provided, single submitter. Criteria: Invitae Variant Classification Sherloc (09022015). Collection method: clinical testing. Allele origin: germline.
Comment: This sequence change replaces proline, which is neutral and non-polar, with leucine, which is neutral and non-polar, at codon 340 of the PRX protein (p.Pro340Leu). This variant is present in population databases (rs780373582, gnomAD 0.006%). This variant has not been reported in the literature in individuals affected with PRX-related conditions. ClinVar contains an entry for this variant (Variation ID: 242178). An algorithm developed to predict the effect of missense changes on protein structure and function (PolyPhen-2) suggests that this variant is likely to be disruptive. In summary, the available evidence is currently insufficient to determine the role of this variant in disease. Therefore, it has been classified as a Variant of Uncertain Significance.

GeneDx
Classification: Uncertain significance. Last evaluated: 2019-10-21. Review status: criteria provided, single submitter. Criteria: GeneDx Variant Classification Process June 2021. Collection method: clinical testing. Allele origin: germline. Affected: yes.
Comment: Not observed at a significant frequency in large population cohorts (Lek et al., 2016); In silico analysis, which includes protein predictors and evolutionary conservation, supports a deleterious effect; Has not been previously published as pathogenic or benign to our knowledge